The following is an entry in ClinVar:

ClinVar aggregate classification (germline): Uncertain significance. Review status: criteria provided, multiple submitters, no conflicts (2 of 4 stars). 3 submissions from 3 submitters: Uncertain significance (3). Last evaluated 2025-11-15.

Conditions:
Intellectual developmental disorder, autosomal dominant 56. Also called: MENTAL RETARDATION, AUTOSOMAL DOMINANT 56; Intellectual disability, autosomal dominant 56. Identifiers: MedGen C4693389, MONDO:0030922, OMIM 617854.
Inborn genetic diseases. Identifiers: MedGen C0950123, MeSH D030342.

Submissions (3):

Dasa
Classification: Uncertain significance for Intellectual developmental disorder, autosomal dominant 56. Last evaluated: 2025-11-15. Review status: criteria provided, single submitter. Criteria: DASA Assertion Criteria. Collection method: clinical testing. Allele origin: germline.
Comment: NM_004859.4(CLTC):c.4349C>T (p.Pro1450Leu) is a missense variant that results in the substitution of proline with leucine. This variant is absent from population databases. The currently available literature and clinical evidence are not sufficient to establish a definitive association between this variant and the reported condition. Therefore, this variant is classified as a variant of uncertain significance.

Labcorp Genetics (formerly Invitae), Labcorp
Classification: Uncertain significance. Last evaluated: 2024-07-13. Review status: criteria provided, single submitter. Criteria: Invitae Variant Classification Sherloc (09022015). Collection method: clinical testing. Allele origin: germline.
Comment: This sequence change replaces proline, which is neutral and non-polar, with leucine, which is neutral and non-polar, at codon 1454 of the CLTC protein (p.Pro1454Leu). This variant is not present in population databases (gnomAD no frequency). This variant has not been reported in the literature in individuals affected with CLTC-related conditions. Advanced modeling of protein sequence and biophysical properties (such as structural, functional, and spatial information, amino acid conservation, physicochemical variation, residue mobility, and thermodynamic stability) performed at Invitae indicates that this missense variant is expected to disrupt CLTC protein function with a positive predictive value of 80%. In summary, the available evidence is currently insufficient to determine the role of this variant in disease. Therefore, it has been classified as a Variant of Uncertain Significance.

Ambry Genetics
Classification: Uncertain significance for Inborn genetic diseases. Last evaluated: 2024-02-12. Review status: criteria provided, single submitter. Criteria: Ambry Variant Classification Scheme 2023. Collection method: clinical testing. Allele origin: germline.

NM_004859.4(CLTC):c.4349C>T (p.Pro1450Leu)

Genes: CLTC (clathrin heavy chain; plus strand), LOC126862609 (CDK7 strongly-dependent group 2 enhancer GRCh37_chr17:57760547-57761746; plus strand). Cytogenetic location: 17q23.1.
Variant type: single nucleotide variant.
Coding change: c.4349C>T on transcript NM_004859.4 (MANE Select); coding-DNA position 4349, C replaced by T.
Protein change: p.Pro1450Leu; replaces proline 1450 with leucine.
Molecular consequence: missense variant.
Genome position (GRCh38, 1-based): chr17:59,683,900, C>T. VCF-style: chr17-59683900-C-T. GRCh37 (hg19) VCF-style: chr17-57761261-C-T.
Other names: c.4361C>T, p.Pro1454Leu (NM_001288653.2); short protein forms P1450L, P1454L.
Identifiers: ClinVar variation 3146093 (VCV003146093.5), dbSNP rs2509155522, ClinGen allele CA400421422.